The following is an entry in ClinVar:

NM_001308093.3(GATA4):c.82C>T (p.His28Tyr)

Gene: GATA4 (GATA binding protein 4). Cytogenetic location: 8p23.1.
Variant type: single nucleotide variant.
Coding change: c.82C>T on transcript NM_001308093.3 (MANE Select); coding-DNA position 82, C replaced by T.
Protein change: p.His28Tyr; replaces histidine 28 with tyrosine.
Molecular consequence: missense variant. On other transcripts: intron variant (3).
Genome position (GRCh38, 1-based): chr8:11,708,394, C>T. VCF-style: chr8-11708394-C-T. GRCh37 (hg19) VCF-style: chr8-11565903-C-T.
Other names: c.82C>T, p.His28Tyr (NM_002052.5); c.-6+7616C>T (NM_001308094.2); c.-3+380C>T (NM_001374274.1); c.-3+4090C>T (NM_001374273.1); short protein forms H28Y.
Identifiers: ClinVar variation 2136639 (VCV002136639.4), dbSNP rs1406275331, ClinGen allele CA370308797.

ClinVar aggregate classification (germline): Uncertain significance (1 of 4 stars; one submission).

Conditions:
Atrioventricular septal defect 4 (AVSD4). Identifiers: MedGen C3280781, MONDO:0013747, OMIM 614430.

gnomAD v4.1: 26 of 1,545,596 alleles (0.0017%); highest among the groups gnomAD compares: Non-Finnish European, 0.0023%; no homozygotes.

Submission:

Labcorp Genetics (formerly Invitae), Labcorp
Classification: Uncertain significance for Atrioventricular septal defect 4. Last evaluated: 2022-04-24. Review status: criteria provided, single submitter. Criteria: Invitae Variant Classification Sherloc (09022015). Collection method: clinical testing. Allele origin: germline.
Comment: This missense change has been observed in individual(s) with cardiac septal defect (PMID: 19915893). Algorithms developed to predict the effect of missense changes on protein structure and function (SIFT, PolyPhen-2, Align-GVGD) all suggest that this variant is likely to be tolerated. Algorithms developed to predict the effect of sequence changes on RNA splicing suggest that this variant may create or strengthen a splice site. In summary, the available evidence is currently insufficient to determine the role of this variant in disease. Therefore, it has been classified as a Variant of Uncertain Significance. This variant is not present in population databases (gnomAD no frequency). This sequence change replaces histidine, which is basic and polar, with tyrosine, which is neutral and polar, at codon 28 of the GATA4 protein (p.His28Tyr).

Literature cited by the submitters: PubMed 19915893.